The following is an entry in ClinVar:

ClinVar aggregate classification (germline): Uncertain significance (1 of 4 stars; one submission).

Conditions:
Hereditary spastic paraplegia 28. Also called: Spastic paraplegia 28, autosomal recessive. Identifiers: Orphanet 101008, MedGen C1836295, MONDO:0012256, OMIM 609340.

Allele frequency attached by ClinVar (database versions not stated): gnomAD exomes below 0.00001; gnomAD 0.00001.
gnomAD v4.1: 49 of 1,612,910 alleles (0.003%); highest among the groups gnomAD compares: Non-Finnish European, 0.0037%; no homozygotes.

Submission:

Labcorp Genetics (formerly Invitae), Labcorp
Classification: Uncertain significance for Hereditary spastic paraplegia 28. Last evaluated: 2020-08-11. Review status: criteria provided, single submitter. Criteria: Invitae Variant Classification Sherloc (09022015). Collection method: clinical testing. Allele origin: germline.
Comment: In summary, the available evidence is currently insufficient to determine the role of this variant in disease. Therefore, it has been classified as a Variant of Uncertain Significance. Algorithms developed to predict the effect of missense changes on protein structure and function (SIFT, PolyPhen-2, Align-GVGD) all suggest that this variant is likely to be tolerated, but these predictions have not been confirmed by published functional studies and their clinical significance is uncertain. This variant has not been reported in the literature in individuals with DDHD1-related conditions. This variant is not present in population databases (ExAC no frequency). This sequence change replaces alanine with valine at codon 152 of the DDHD1 protein (p.Ala152Val). The alanine residue is moderately conserved and there is a small physicochemical difference between alanine and valine.

NM_001160148.2(DDHD1):c.455C>T (p.Ala152Val)

Gene: DDHD1 (DDHD domain containing 1; minus strand). Cytogenetic location: 14q22.1.
Variant type: single nucleotide variant.
Coding change: c.455C>T on transcript NM_001160148.2 (MANE Select); coding-DNA position 455, C replaced by T.
Protein change: p.Ala152Val; replaces alanine 152 with valine.
Molecular consequence: missense variant.
Genome position (GRCh38, 1-based): chr14:53,152,644, G>A on the plus strand (C>T on the coding strand, the complement: DDHD1 is on the minus strand). VCF-style: chr14-53152644-G-A. GRCh37 (hg19) VCF-style: chr14-53619362-G-A.
Other names: c.455C>T, p.Ala152Val (NM_001160147.2, NM_030637.3); short protein forms A152V.
Identifiers: ClinVar variation 1045737 (VCV001045737.8), dbSNP rs1274664920, ClinGen allele CA389780710.